The following is an entry in ClinVar:

ClinVar aggregate classification (germline): Uncertain significance (1 of 4 stars; one submission).

Submission:

GeneDx
Classification: Uncertain significance. Last evaluated: 2025-07-30. Review status: criteria provided, single submitter. Criteria: GeneDx Variant Classification Process June 2021. Collection method: clinical testing. Allele origin: germline. Affected: yes.
Comment: Not observed at significant frequency in large population cohorts (gnomAD); In silico analysis supports that this missense variant has a deleterious effect on protein structure/function; Has not been previously published as pathogenic or benign to our knowledge

NM_001291415.2(KDM6A):c.2138C>T (p.Ser713Phe)

Gene: KDM6A (lysine demethylase 6A; plus strand). Cytogenetic location: Xp11.3.
Variant type: single nucleotide variant.
Coding change: c.2138C>T on transcript NM_001291415.2 (MANE Select); coding-DNA position 2138, C replaced by T.
Protein change: p.Ser713Phe; replaces serine 713 with phenylalanine.
Molecular consequence: missense variant. On other transcripts: non-coding transcript variant (1).
Genome position (GRCh38, 1-based): chrX:45,069,637, C>T. VCF-style: chrX-45069637-C-T. GRCh37 (hg19) VCF-style: chrX-44928882-C-T.
Other names: c.2003C>T, p.Ser668Phe (NM_001291416.2, NM_001419811.1); c.1847C>T, p.Ser616Phe (NM_001291417.2); c.1745C>T, p.Ser582Phe (NM_001291418.2, NM_001419815.1); c.1094C>T, p.Ser365Phe (NM_001291421.2); c.1880C>T, p.Ser627Phe (NM_001410742.1, NM_001419814.1); c.2138C>T, p.Ser713Phe (NM_001419809.1); c.2036C>T, p.Ser679Phe (NM_001419810.1, NM_001419813.1); c.1982C>T, p.Ser661Phe (NM_001419812.1, NM_021140.4); short protein forms S365F, S582F, S616F, S627F, S661F, S668F, S679F, S713F.
Identifiers: ClinVar variation 4690048 (VCV004690048.1).